The following is an entry in ClinVar:

ClinVar aggregate classification (germline): Uncertain significance. Review status: criteria provided, multiple submitters, no conflicts (2 of 4 stars). 2 submissions from 2 submitters: Uncertain significance (2). Last evaluated 2025-03-11.

Conditions:
Hereditary cancer-predisposing syndrome. Also called: Hereditary Cancer Syndrome; Tumor predisposition; Hereditary neoplastic syndrome; Neoplastic Syndromes, Hereditary. Identifiers: Orphanet 140162, MedGen C0027672, MeSH D009386, MONDO:0015356.

gnomAD v4.1: 2 of 1,613,386 alleles (0.00012%); highest among the groups gnomAD compares: Non-Finnish European, 0.000085%; no homozygotes.

Submissions (2):

Ambry Genetics
Classification: Uncertain significance for Hereditary cancer-predisposing syndrome. Last evaluated: 2025-03-11. Review status: criteria provided, single submitter. Criteria: Ambry Variant Classification Scheme 2023. Collection method: clinical testing. Allele origin: germline.
Comment: The p.I998F variant (also known as c.2992A>T), located in coding exon 21 of the MSH3 gene, results from an A to T substitution at nucleotide position 2992. The isoleucine at codon 998 is replaced by phenylalanine, an amino acid with highly similar properties. This amino acid position is highly conserved in available vertebrate species. In addition, this alteration is predicted to be deleterious by in silico analysis. Since supporting evidence is limited at this time, the clinical significance of this alteration remains unclear.

Labcorp Genetics (formerly Invitae), Labcorp
Classification: Uncertain significance. Last evaluated: 2023-07-17. Review status: criteria provided, single submitter. Criteria: Invitae Variant Classification Sherloc (09022015). Collection method: clinical testing. Allele origin: germline.
Comment: This sequence change replaces isoleucine, which is neutral and non-polar, with phenylalanine, which is neutral and non-polar, at codon 998 of the MSH3 protein (p.Ile998Phe). This variant is not present in population databases (gnomAD no frequency). This variant has not been reported in the literature in individuals affected with MSH3-related conditions. ClinVar contains an entry for this variant (Variation ID: 647912). An algorithm developed to predict the effect of missense changes on protein structure and function (PolyPhen-2) suggests that this variant is likely to be disruptive. In summary, the available evidence is currently insufficient to determine the role of this variant in disease. Therefore, it has been classified as a Variant of Uncertain Significance.

NM_002439.5(MSH3):c.2992A>T (p.Ile998Phe)

Gene: MSH3 (mutS homolog 3; plus strand). Cytogenetic location: 5q14.1.
Variant type: single nucleotide variant.
Coding change: c.2992A>T on transcript NM_002439.5 (MANE Select); coding-DNA position 2992, A replaced by T.
Protein change: p.Ile998Phe; replaces isoleucine 998 with phenylalanine.
Molecular consequence: missense variant.
Genome position (GRCh38, 1-based): chr5:80,854,308, A>T. VCF-style: chr5-80854308-A-T. GRCh37 (hg19) VCF-style: chr5-80150127-A-T.
Other names: short protein forms I998F.
Identifiers: ClinVar variation 647912 (VCV000647912.16), dbSNP rs548030451, ClinGen allele CA3328411.
Genomic context (GRCh38, chr5:80,854,308, plus strand): 5'-GGAAGAGGGACGAGCACTCATGATGGAATTGCCATTGCCTATGCTACACTTGAGTATTTC[A>T]TCAGAGATGTAAGTATCCGGTAAACTGTATTTAAAAAGAAATTAATTTGTAAATTATTAT-3'
Protein context (NP_002430.3, residues 988-1008): AIAYATLEYF[Ile998Phe]RDVKSLTLFV